The following is an entry in ClinVar:

ClinVar aggregate classification (germline): Conflicting classifications of pathogenicity. Review status: criteria provided, conflicting classifications (1 of 4 stars). 5 submissions from 4 submitters: Uncertain significance (3); Likely benign (2). Last evaluated 2025-12-20.

Conditions:
Supravalvar aortic stenosis (SVAS). Also called: Supravalvar aortic stenosis, Eisenberg type. Identifiers: Orphanet 3193, MedGen C0003499, MONDO:0008504, OMIM 185500, HP:0004381.
Cutis laxa, autosomal dominant 1 (ADCL1). Also called: ELN-Related Cutis Laxa. Identifiers: Orphanet 90348, MedGen C3276539, MONDO:0007411, OMIM 123700. Disease mechanism: Dominant Negative.
Inborn genetic diseases. Identifiers: MedGen C0950123, MeSH D030342.

Allele frequency attached by ClinVar (database versions not stated): TOPMed 0.00010; gnomAD 0.00011 and 0.00012.

Submissions (5):

Labcorp Genetics (formerly Invitae), Labcorp
Classification: Likely benign for Supravalvar aortic stenosis. Last evaluated: 2025-12-20. Review status: criteria provided, single submitter. Criteria: Invitae Variant Classification Sherloc (09022015). Collection method: clinical testing. Allele origin: germline.

GeneDx
Classification: Uncertain significance. Last evaluated: 2024-05-09. Review status: criteria provided, single submitter. Criteria: GeneDx Variant Classification Process June 2021. Collection method: clinical testing. Allele origin: germline. Affected: yes.
Comment: Has not been previously published as pathogenic or benign to our knowledge; In silico analysis supports that this missense variant has a deleterious effect on protein structure/function

Ambry Genetics
Classification: Uncertain significance for Inborn genetic diseases. Last evaluated: 2023-12-19. Review status: criteria provided, single submitter. Criteria: Ambry Variant Classification Scheme 2023. Collection method: clinical testing. Allele origin: germline.

Illumina Laboratory Services, Illumina
Classification: Uncertain significance for Supravalvar aortic stenosis. Last evaluated: 2018-01-13. Review status: criteria provided, single submitter. Criteria: ICSL Variant Classification Criteria 13 December 2019. Collection method: clinical testing. Allele origin: germline.

Illumina Laboratory Services, Illumina
Classification: Likely benign for Cutis laxa, autosomal dominant 1. Last evaluated: 2018-01-13. Review status: criteria provided, single submitter. Criteria: ICSL Variant Classification Criteria 13 December 2019. Collection method: clinical testing. Allele origin: germline.
Comment: This variant was observed in the ICSL laboratory as part of a predisposition screen in an ostensibly healthy population. It had not been previously curated by ICSL or reported in the Human Gene Mutation Database (HGMD: prior to June 1st, 2018), and was therefore a candidate for classification through an automated scoring system. Utilizing variant allele frequency, disease prevalence and penetrance estimates, and inheritance mode, an automated score was calculated to assess if this variant is too frequent to cause the disease. Based on the score and internal cut-off values, a variant classified as likely benign is not then subjected to further curation. The score for this variant resulted in a classification of likely benign for this disease.

NM_000501.4(ELN):c.710G>C (p.Gly237Ala)

Gene: ELN (elastin; plus strand). Cytogenetic location: 7q11.23.
Variant type: single nucleotide variant.
Coding change: c.710G>C on transcript NM_000501.4 (MANE Select); coding-DNA position 710, G replaced by C.
Protein change: p.Gly237Ala; replaces glycine 237 with alanine.
Molecular consequence: missense variant.
Genome position (GRCh38, 1-based): chr7:74,048,166, G>C. VCF-style: chr7-74048166-G-C. GRCh37 (hg19) VCF-style: chr7-73462496-G-C.
Other names: c.710G>C, p.Gly237Ala (NM_001278915.2, NM_001278939.2, NM_001278912.2 and 1 more transcripts); c.668G>C, p.Gly223Ala (NM_001278916.2); c.680G>C, p.Gly227Ala (NM_001278917.2, NM_001081752.3); c.578G>C, p.Gly193Ala (NM_001278918.2); c.602G>C, p.Gly201Ala (NM_001278913.2); c.695G>C, p.Gly232Ala (NM_001278914.2); c.725G>C, p.Gly242Ala (NM_001081753.3, NM_001081754.3); short protein forms G223A, G227A, G237A, G193A, G201A, G232A, G242A.
Identifiers: ClinVar variation 910986 (VCV000910986.13), dbSNP rs934014841, ClinGen allele CA4292648.